The following is an entry in ClinVar:

ClinVar aggregate classification (germline): Uncertain significance (1 of 4 stars; one submission).

Allele frequency attached by ClinVar (database versions not stated): ExAC 0.00001; TOPMed 0.00002; gnomAD 0.00003; gnomAD exomes 0.00005; 1000 Genomes Project 30x 0.00016.

Submission:

Labcorp Genetics (formerly Invitae), Labcorp
Classification: Uncertain significance. Last evaluated: 2022-04-28. Review status: criteria provided, single submitter. Criteria: Invitae Variant Classification Sherloc (09022015). Collection method: clinical testing. Allele origin: germline.
Comment: This sequence change falls in intron 1 of the COX20 gene. It does not directly change the encoded amino acid sequence of the COX20 protein. This variant is present in population databases (rs772413438, gnomAD 0.005%). This variant has not been reported in the literature in individuals affected with COX20-related conditions. Algorithms developed to predict the effect of sequence changes on RNA splicing suggest that this variant may disrupt the consensus splice site. In summary, the available evidence is currently insufficient to determine the role of this variant in disease. Therefore, it has been classified as a Variant of Uncertain Significance.

NM_198076.6(COX20):c.43-4del

Gene: COX20 (cytochrome c oxidase assembly factor COX20; plus strand). Cytogenetic location: 1q44.
Variant type: Deletion.
Coding change: c.43-4del on transcript NM_198076.6 (MANE Select); 4 bases into the intron before coding-DNA position 43, one base deleted (C; older notation c.43-4delC).
Molecular consequence: intron variant.
Genome position (GRCh38, 1-based): chr1:244,841,940, C deleted. VCF-style (leftmost placement, unchanged base first): chr1-244841939-TC-T. GRCh37 (hg19) VCF-style: chr1-245005241-TC-T.
Other names: c.43-4del (NM_001312871.1, NM_001312874.1); c.79-4del (NM_001312872.1); c.23-255del (NM_001312873.1).
Identifiers: ClinVar variation 1979139 (VCV001979139.1), dbSNP rs772413438, ClinGen allele CA1486076.